The following is an entry in ClinVar:

NM_000535.5(PMS2):c.538-?_903+?del

Gene: PMS2 (PMS1 homolog 2, mismatch repair system component; minus strand). Cytogenetic location: 7p22.1.
Variant type: Deletion.
Coding change: c.538-?_903+?del on transcript NM_000535.5.
Other names: c.538-?_903+?del (LRG_161t1).
Identifiers: ClinVar variation 219811 (VCV000219811.1).

ClinVar aggregate classification (germline): Pathogenic (1 of 4 stars; one submission).

Conditions:
Lynch syndrome. Identifiers: Orphanet 144, MedGen C4552100, MONDO:0005835. Disease mechanism: loss of function.

Submission:

Labcorp Genetics (formerly Invitae), Labcorp
Classification: Pathogenic for Hereditary nonpolyposis colorectal neoplasms. Last evaluated: 2016-11-15. Review status: criteria provided, single submitter. Criteria: Invitae Variant Classification Sherloc (09022015). Collection method: clinical testing. Allele origin: germline.
Comment: This variant is a gross deletion of the genomic region encompassing exons 6-8 of the PMS2 gene. This leads to an in-frame deletion, preserving the integrity of the reading frame. Deletions of exons 6-8 have been reported in the literature in an individual with a large colonic adenoma (PMID: 20205264), as well as in an individual affected with constitutional mismatch repair deficiency (CMMRD) syndrome, co-occurring with a second pathogenic PMS2 variant (PMID: 24440087). In both individuals, tumor analysis showed absence of PMS2 protein expression by immunohistochemical staining. ClinVar contains an entry for this variant (Variation ID: 219811). This in-frame deletion is expected to remove amino acid residues Glu180-Lys301 from the PMS2 protein and result in the partial disruption of the ATPase domain, which is important for the mismatch repair activity (PMID: 11574484, 11897781). For these reasons, this variant has been classified as Pathogenic.